The following is an entry in ClinVar:

ClinVar aggregate classification (germline): Uncertain significance (1 of 4 stars; one submission).

Submission:

Labcorp Genetics (formerly Invitae), Labcorp
Classification: Uncertain significance. Last evaluated: 2026-01-04. Review status: criteria provided, single submitter. Criteria: Invitae Variant Classification Sherloc (09022015). Collection method: clinical testing. Allele origin: germline.
Comment: This sequence change replaces aspartic acid, which is acidic and polar, with histidine, which is basic and polar, at codon 534 of the BCL11B protein (p.Asp534His). This variant is not present in population databases (gnomAD no frequency). This variant has not been reported in the literature in individuals affected with BCL11B-related conditions. Invitae Evidence Modeling of protein sequence and biophysical properties (such as structural, functional, and spatial information, amino acid conservation, physicochemical variation, residue mobility, and thermodynamic stability) indicates that this missense variant is not expected to disrupt BCL11B protein function with a negative predictive value of 95%. In summary, the available evidence is currently insufficient to determine the role of this variant in disease. Therefore, it has been classified as a Variant of Uncertain Significance.

NM_138576.4(BCL11B):c.1600G>C (p.Asp534His)

Gene: BCL11B (BCL11 transcription factor B; minus strand). Cytogenetic location: 14q32.2.
Variant type: single nucleotide variant.
Coding change: c.1600G>C on transcript NM_138576.4 (MANE Select); coding-DNA position 1600, G replaced by C.
Protein change: p.Asp534His; replaces aspartic acid 534 with histidine.
Molecular consequence: missense variant.
Genome position (GRCh38, 1-based): chr14:99,175,236, C>G on the plus strand (G>C on the coding strand, the complement: BCL11B is on the minus strand). VCF-style: chr14-99175236-C-G. GRCh37 (hg19) VCF-style: chr14-99641573-C-G.
Other names: c.1597G>C, p.Asp533His (NM_001282237.2); c.1384G>C, p.Asp462His (NM_001282238.2); c.1387G>C, p.Asp463His (NM_022898.3); short protein forms D462H, D463H, D534H, D533H.
Identifiers: ClinVar variation 4746841 (VCV004746841.1).
Genomic context (GRCh38, chr14:99,175,236, plus strand): 5'-ACTCGGGCCGGCTCTCGTTCTCCAGTAGCAGCTCCTCCTCCTCCTCCTCCTCCTCCTCGT[C>G]CTCCTCCTCCGGCTCGTGGCCCAGCGACGGGTCGCTCTCGTGGTGGCGGAAGTCACCGTC-3'
Protein context (NP_612808.1, residues 524-544): PSLGHEPEEE[Asp534His]EEEEEEEEEL